The following is an entry in ClinVar:

NM_001039213.4(CEACAM16):c.1199G>A (p.Arg400His)

Genes: CEACAM16-AS1 (CEACAM16, CEACAM19 and PVR antisense RNA 1; minus strand), CEACAM16 (CEA cell adhesion molecule 16, tectorial membrane component; plus strand). Cytogenetic location: 19q13.32.
Variant type: single nucleotide variant.
Coding change: c.1199G>A on transcript NM_001039213.4 (MANE Select); coding-DNA position 1199, G replaced by A.
Protein change: p.Arg400His; replaces arginine 400 with histidine.
Molecular consequence: missense variant.
Genome position (GRCh38, 1-based): chr19:44,708,119, G>A. VCF-style: chr19-44708119-G-A. GRCh37 (hg19) VCF-style: chr19-45211391-G-A.
Other names: c.1199G>A (NM_001039213.3); short protein forms R400H.
Identifiers: ClinVar variation 2294554 (VCV002294554.5), dbSNP rs778909340, ClinGen allele CA9503256.

ClinVar aggregate classification (germline): Uncertain significance. Review status: criteria provided, multiple submitters, no conflicts (2 of 4 stars). 2 submissions from 2 submitters: Uncertain significance (2). Last evaluated 2025-06-12.

Conditions:
Inborn genetic diseases. Identifiers: MedGen C0950123, MeSH D030342.

Allele frequency attached by ClinVar (database versions not stated): gnomAD 0.00001; gnomAD exomes 0.00002; TOPMed 0.00002; ExAC 0.00003.
gnomAD v4.1: 36 of 1,608,874 alleles (0.0022%); highest among the groups gnomAD compares: South Asian, 0.016%; no homozygotes.

Submissions (2):

GeneDx
Classification: Uncertain significance. Last evaluated: 2025-06-12. Review status: criteria provided, single submitter. Criteria: GeneDx Variant Classification Process June 2021. Collection method: clinical testing. Allele origin: germline.
Comment: In silico analysis suggests that this missense variant does not alter protein structure/function; Has not been previously published as pathogenic or benign to our knowledge

Ambry Genetics
Classification: Uncertain significance for Inborn genetic diseases. Last evaluated: 2025-04-10. Review status: criteria provided, single submitter. Criteria: Ambry Variant Classification Scheme 2023. Collection method: clinical testing. Allele origin: germline.